The following is an entry in ClinVar:

NM_000260.4(MYO7A):c.5610C>A (p.Cys1870Ter)

Gene: MYO7A (myosin VIIA; plus strand). Cytogenetic location: 11q13.5.
Variant type: single nucleotide variant.
Coding change: c.5610C>A on transcript NM_000260.4 (MANE Select); coding-DNA position 5610, C replaced by A.
Protein change: p.Cys1870Ter; replaces cysteine 1870 with a stop codon.
Molecular consequence: nonsense.
Genome position (GRCh38, 1-based): chr11:77,205,591, C>A. VCF-style: chr11-77205591-C-A. GRCh37 (hg19) VCF-style: chr11-76916636-C-A.
Other names: c.5496C>A, p.Cys1832Ter (NM_001127180.2); c.5463C>A, p.Cys1821Ter (NM_001369365.1); short protein forms C1821*, C1832*, C1870*.
Identifiers: ClinVar variation 983820 (VCV000983820.3), dbSNP rs1957393464, ClinGen allele CA381953103.

ClinVar aggregate classification (germline): Likely pathogenic (1 of 4 stars; one submission).

Conditions:
Usher syndrome type 1 (USH1). Also called: RETINITIS PIGMENTOSA AND CONGENITAL DEAFNESS. Identifiers: Orphanet 231169, Orphanet 886, MedGen C1568247, MONDO:0010168, OMIM 276900.

Submission:

Myriad Genetics, Inc.
Classification: Likely pathogenic for Usher syndrome type 1. Last evaluated: 2019-04-18. Review status: criteria provided, single submitter. Criteria: Myriad Women's Health Autosomal Recessive and X-Linked Classification Criteria (2019). Collection method: clinical testing. Allele origin: unknown.
Comment: NM_000260.3(MYO7A):c.5610C>A(C1870*) is expected to be pathogenic in the context of MYO7A-related disorders. This variant is predicted to lead to an abnormal or absent protein product due to the creation of a premature termination codon in MYO7A, a gene where loss-of-function variants are known to be pathogenic. Please note: this variant was assessed in the context of healthy population screening.